The following is an entry in ClinVar:

ClinVar aggregate classification (germline): Benign (1 of 4 stars; one submission).

Conditions:
Charcot-Marie-Tooth disease type 4D. Also called: CHARCOT-MARIE-TOOTH DISEASE, DEMYELINATING, AUTOSOMAL RECESSIVE, TYPE 4D; NEUROPATHY, HEREDITARY MOTOR AND SENSORY, LOM TYPE; Charcot-Marie-Tooth Neuropathy Type 4D; CHARCOT-MARIE-TOOTH DISEASE, DEMYELINATING, TYPE 4D. Identifiers: Orphanet 99950, MedGen C1832334, MONDO:0011085, OMIM 601455.

Allele frequency attached by ClinVar (database versions not stated): gnomAD exomes 0.00661; gnomAD 0.03338 and 0.03589; TOPMed 0.03761; 1000 Genomes Project 0.03874; 1000 Genomes Project 30x 0.04107.
gnomAD v4.1: 5,654 of 233,102 alleles (2.4%); highest among the groups gnomAD compares: African/African-American, 11%; 313 homozygotes.

Submission:

Illumina Laboratory Services, Illumina
Classification: Benign for Charcot-Marie-Tooth disease type 4D. Last evaluated: 2018-01-13. Review status: criteria provided, single submitter. Criteria: ICSL Variant Classification Criteria 13 December 2019. Collection method: clinical testing. Allele origin: germline.
Comment: This variant was observed in the ICSL laboratory as part of a predisposition screen in an ostensibly healthy population. It had not been previously curated by ICSL or reported in the Human Gene Mutation Database (HGMD: prior to June 1st, 2018), and was therefore a candidate for classification through an automated scoring system. Utilizing variant allele frequency, disease prevalence and penetrance estimates, and inheritance mode, an automated score was calculated to assess if this variant is too frequent to cause the disease. Based on the score and internal cut-off values, a variant classified as benign is not then subjected to further curation. The score for this variant resulted in a classification of benign for this disease.

NM_006096.4(NDRG1):c.*834T>A

Gene: NDRG1 (N-myc downstream regulated 1; minus strand). Cytogenetic location: 8q24.22.
Variant type: single nucleotide variant.
Coding change: c.*834T>A on transcript NM_006096.4 (MANE Select); 834 bases downstream of the stop codon, T replaced by A.
Molecular consequence: 3 prime UTR variant.
Genome position (GRCh38, 1-based): chr8:133,238,044, A>T on the plus strand (T>A on the coding strand, the complement: NDRG1 is on the minus strand). VCF-style: chr8-133238044-A-T. GRCh37 (hg19) VCF-style: chr8-134250287-A-T.
Other names: c.*834T>A (NM_001135242.2, NM_001258432.2, NM_001258433.2 and 4 more transcripts).
Identifiers: ClinVar variation 362017 (VCV000362017.5), dbSNP rs79281324, ClinGen allele CA10627211.